The following is an entry in ClinVar:

ClinVar aggregate classification (germline): Pathogenic (1 of 4 stars; one submission).

Conditions:
Mitochondrial hypertrophic cardiomyopathy with lactic acidosis due to MTO1 deficiency. Also called: CARDIOMYOPATHY, INFANTILE HYPERTROPHIC MITOCHONDRIAL, AND LACTIC ACIDOSIS; Combined oxidative phosphorylation deficiency 10. Identifiers: Orphanet 314637, MedGen C4749921, MONDO:0013865, OMIM 614702.

Submission:

Labcorp Genetics (formerly Invitae), Labcorp
Classification: Pathogenic for Mitochondrial hypertrophic cardiomyopathy with lactic acidosis due to MTO1 deficiency. Last evaluated: 2021-08-27. Review status: criteria provided, single submitter. Criteria: Invitae Variant Classification Sherloc (09022015). Collection method: clinical testing. Allele origin: germline.
Comment: This sequence change creates a premature translational stop signal (p.Asn144Leufs*7) in the MTO1 gene. It is expected to result in an absent or disrupted protein product. Loss-of-function variants in MTO1 are known to be pathogenic (PMID: 22608499, 25058219). This variant is not present in population databases (ExAC no frequency). This variant has not been reported in the literature in individuals affected with MTO1-related conditions. For these reasons, this variant has been classified as Pathogenic.

Literature cited by the submitters: PubMed 22608499; PubMed 25058219.

NM_012123.4(MTO1):c.429_444del (p.Asn144fs)

Gene: MTO1 (mitochondrial tRNA translation optimization 1; plus strand). Cytogenetic location: 6q13.
Variant type: Deletion.
Coding change: c.429_444del on transcript NM_012123.4 (MANE Select); coding-DNA positions 429 to 444, 16 bases deleted (GAATACACCACTGCTT).
Protein change: p.Asn144fs; shifts the reading frame from asparagine 144.
Molecular consequence: frameshift variant.
Genome position (GRCh38, 1-based): chr6:73,466,500-73,466,515, GAATACACCACTGCTT deleted; deleting any 16 consecutive bases within chr6:73,466,497-73,466,515 gives the same sequence; the c. name uses the placement nearest the transcript's 3' end. VCF-style (leftmost placement, unchanged base first): chr6-73466496-TCTTGAATACACCACTG-T. GRCh37 (hg19) VCF-style: chr6-74176219-TCTTGAATACACCACTG-T.
Other names: c.429_444del, p.Asn144fs (NM_001123226.2, NM_133645.3); short protein forms N144fs.
Identifiers: ClinVar variation 1453242 (VCV001453242.6), dbSNP rs2150027394, ClinGen allele CA2573141194.